The following is an entry in ClinVar:

NM_015271.5(TRIM2):c.842G>A (p.Cys281Tyr)

Gene: TRIM2 (tripartite motif containing 2; plus strand). Cytogenetic location: 4q31.3.
Variant type: single nucleotide variant.
Coding change: c.842G>A on transcript NM_015271.5 (MANE Select); coding-DNA position 842, G replaced by A.
Protein change: p.Cys281Tyr; replaces cysteine 281 with tyrosine.
Molecular consequence: missense variant.
Genome position (GRCh38, 1-based): chr4:153,295,368, G>A. VCF-style: chr4-153295368-G-A. GRCh37 (hg19) VCF-style: chr4-154216520-G-A.
Other names: c.761G>A, p.Cys254Tyr (NM_001130067.2, NM_001351056.2, NM_001375512.1 and 5 more transcripts); c.815G>A, p.Cys272Tyr (NM_001351054.2); c.812G>A, p.Cys271Tyr (NM_001351055.2); c.386G>A, p.Cys129Tyr (NM_001351057.2); c.935G>A, p.Cys312Tyr (NM_001375488.1); c.932G>A, p.Cys311Tyr (NM_001375489.1); c.785G>A, p.Cys262Tyr (NM_001375490.1); c.782G>A, p.Cys261Tyr (NM_001375491.1); and 3 more; short protein forms C129Y, C168Y, C254Y, C261Y, C311Y, C312Y, C169Y, C281Y.
Identifiers: ClinVar variation 2725495 (VCV002725495.3), dbSNP rs2546526198, ClinGen allele CA358472391.

ClinVar aggregate classification (germline): Uncertain significance (1 of 4 stars; one submission).

Conditions:
Charcot-Marie-Tooth disease type 2R. Also called: CHARCOT-MARIE-TOOTH DISEASE, AXONAL, AUTOSOMAL RECESSIVE, TYPE 2R; Charcot-Marie-Tooth disease, axonal, type 2R; CHARCOT-MARIE-TOOTH NEUROPATHY, TYPE 2R. Identifiers: Orphanet 397968, MedGen C3809655, MONDO:0014208, OMIM 615490.

Submission:

Labcorp Genetics (formerly Invitae), Labcorp
Classification: Uncertain significance for Charcot-Marie-Tooth disease type 2R. Last evaluated: 2023-06-23. Review status: criteria provided, single submitter. Criteria: Invitae Variant Classification Sherloc (09022015). Collection method: clinical testing. Allele origin: germline.
Comment: In summary, the available evidence is currently insufficient to determine the role of this variant in disease. Therefore, it has been classified as a Variant of Uncertain Significance. An algorithm developed to predict the effect of missense changes on protein structure and function (PolyPhen-2) suggests that this variant is likely to be tolerated. This variant has not been reported in the literature in individuals affected with TRIM2-related conditions. This variant is not present in population databases (gnomAD no frequency). This sequence change replaces cysteine, which is neutral and slightly polar, with tyrosine, which is neutral and polar, at codon 254 of the TRIM2 protein (p.Cys254Tyr).